The following is an entry in ClinVar:

NM_017802.4(DNAAF5):c.830_835delinsA (p.Arg277fs)

Gene: DNAAF5 (dynein axonemal assembly factor 5; plus strand). Cytogenetic location: 7p22.3.
Variant type: Indel.
Coding change: c.830_835delinsA on transcript NM_017802.4 (MANE Select); coding-DNA positions 830 to 835, GTGACC replaced by A.
Protein change: p.Arg277fs; shifts the reading frame from arginine 277.
Molecular consequence: frameshift variant. On other transcripts: non-coding transcript variant (1).
Genome position (GRCh38, 1-based): chr7:740,868-740,873, GTGACC replaced by A. VCF-style: chr7-740868-GTGACC-A. GRCh37 (hg19) VCF-style: chr7-780505-GTGACC-A.
Other names: short protein forms R277fs.
Identifiers: ClinVar variation 4880731 (VCV004880731.2).

ClinVar aggregate classification (germline): Likely pathogenic (1 of 4 stars; one submission).

Submission:

Dasa
Classification: Likely pathogenic. Last evaluated: 2026-02-19. Review status: criteria provided, single submitter. Criteria: DASA Assertion Criteria. Collection method: clinical testing. Allele origin: germline.
Comment: NM_017802.4(DNAAF5):c.830_835delinsA (p.Arg277Glnfs*15) is a frameshift variant in DNAAF5 predicted to alter the reading frame and introduce a premature termination codon and is predicted to result in an absent or altered protein product. Loss of function is an established disease mechanism for DNAAF5-associated disorders. Also, this variant is rare in population databases. Based on the currently available evidence, this variant is classified as likely pathogenic.